The following is an entry in ClinVar:

NM_198282.4(STING1):c.826C>G (p.Gln276Glu)

Gene: STING1 (stimulator of interferon response cGAMP interactor 1; minus strand). Cytogenetic location: 5q31.2.
Variant type: single nucleotide variant.
Coding change: c.826C>G on transcript NM_198282.4 (MANE Select); coding-DNA position 826, C replaced by G.
Protein change: p.Gln276Glu; replaces glutamine 276 with glutamic acid.
Molecular consequence: missense variant. On other transcripts: intron variant (1).
Genome position (GRCh38, 1-based): chr5:139,477,449, G>C on the plus strand (C>G on the coding strand, the complement: STING1 is on the minus strand). VCF-style: chr5-139477449-G-C. GRCh37 (hg19) VCF-style: chr5-138857034-G-C.
Other names: c.469C>G, p.Gln157Glu (NM_001367258.1); c.759+821C>G (NM_001301738.2); c.826C>G (NM_198282.2); short protein forms Q276E, Q157E.
Identifiers: ClinVar variation 2911635 (VCV002911635.5), dbSNP rs1751696876, ClinGen allele CA361479661.

ClinVar aggregate classification (germline): Uncertain significance. Review status: criteria provided, multiple submitters, no conflicts (2 of 4 stars). 3 submissions from 3 submitters: Uncertain significance (3). Last evaluated 2026-03-22.

Conditions:
STING-associated vasculopathy with onset in infancy. Also called: Sting-associated vasculopathy, infantile-onset. Identifiers: Orphanet 425120, MedGen C4014722, MONDO:0014405, OMIM 615934.
Inborn genetic diseases. Identifiers: MedGen C0950123, MeSH D030342.

Allele frequency attached by ClinVar (database versions not stated): TOPMed below 0.00001; gnomAD exomes 0.00001.
gnomAD v4.1: 3 of 1,614,212 alleles (0.00019%); highest among the groups gnomAD compares: Non-Finnish European, 0.00025%; no homozygotes.

Submissions (3):

Clinical Genomics Laboratory, Washington University in St. Louis
Classification: Uncertain significance for STING-associated vasculopathy with onset in infancy. Last evaluated: 2026-03-22. Review status: criteria provided, single submitter. Criteria: ACMG Guidelines, 2015. Collection method: clinical testing. Allele origin: germline.
Comment: The TMEM173 c.826C>G (p.Gln276Glu) variant, to our knowledge, has not been reported in the medical literature.This variant has been reported in the ClinVar database as a germline variant of uncertain significance by one submitter. This variant is absent from the general population (gnomAD v2.1.1), indicating it is not a common variant. Computational predictors suggest that the variant does not impact TMEM173 function. Due to limited information, and based on ACMG/AMP guidelines for variant interpretation (Richards S et al., PMID: 25741868), the clinical significance of this variant is uncertain at this time.

Ambry Genetics
Classification: Uncertain significance for Inborn genetic diseases. Last evaluated: 2025-12-16. Review status: criteria provided, single submitter. Criteria: Ambry Variant Classification Scheme 2023. Collection method: clinical testing. Allele origin: germline.

Labcorp Genetics (formerly Invitae), Labcorp
Classification: Uncertain significance for STING-associated vasculopathy with onset in infancy. Last evaluated: 2023-03-30. Review status: criteria provided, single submitter. Criteria: Invitae Variant Classification Sherloc (09022015). Collection method: clinical testing. Allele origin: germline.
Comment: In summary, the available evidence is currently insufficient to determine the role of this variant in disease. Therefore, it has been classified as a Variant of Uncertain Significance. Advanced modeling of protein sequence and biophysical properties (such as structural, functional, and spatial information, amino acid conservation, physicochemical variation, residue mobility, and thermodynamic stability) performed at Invitae indicates that this missense variant is not expected to disrupt TMEM173 protein function. This variant has not been reported in the literature in individuals affected with TMEM173-related conditions. This variant is not present in population databases (gnomAD no frequency). This sequence change replaces glutamine, which is neutral and polar, with glutamic acid, which is acidic and polar, at codon 276 of the TMEM173 protein (p.Gln276Glu).